The following is an entry in ClinVar:

NM_001040142.2(SCN2A):c.386+6del

Gene: SCN2A (sodium voltage-gated channel alpha subunit 2; plus strand). Cytogenetic location: 2q24.3.
Variant type: Deletion.
Coding change: c.386+6del on transcript NM_001040142.2 (MANE Select); 6 bases into the intron after coding-DNA position 386, one base deleted (C; older notation c.386+6delC).
Molecular consequence: intron variant.
Genome position (GRCh38, 1-based): chr2:165,297,141, C deleted; the last of 2 consecutive C bases (chr2:165,297,140-165,297,141); deleting either gives the same sequence. VCF-style (leftmost placement, unchanged base first): chr2-165297139-TC-T. GRCh37 (hg19) VCF-style: chr2-166153649-TC-T.
Other names: c.386+6del (NM_001040143.2, NM_001371246.1, NM_001371247.1 and 1 more transcripts).
Identifiers: ClinVar variation 1327767 (VCV001327767.2), dbSNP rs2106151278, ClinGen allele CA2573051691.
Genomic context (GRCh38, chr2:165,297,139, plus strand): 5'-CATTTTAACTCCCTTCAACCCTATTAGAAAATTAGCTATTAAGATTTTGGTACATTCATA[TC>T]CTTTTTCAAATCGTCACTTAATATGATTTTCTTCTTTGACCAAGTTATTGAGCTACACAT-3'

ClinVar aggregate classification (germline): Uncertain significance (1 of 4 stars; one submission).

Submission:

GeneDx
Classification: Uncertain significance. Last evaluated: 2021-12-06. Review status: criteria provided, single submitter. Criteria: GeneDx Variant Classification Process June 2021. Collection method: clinical testing. Allele origin: germline. Affected: yes.
Comment: Not observed in large population cohorts (Lek et al., 2016); In-silico analysis, which includes splice predictors and evolutionary conservation, is inconclusive as to whether the variant alters gene splicing. In the absence of RNA/functional studies, the actual effect of this sequence change is unknown.; Has not been previously published as pathogenic or benign to our knowledge